The following is an entry in ClinVar:

ClinVar aggregate classification (germline): Uncertain significance (1 of 4 stars; one submission).

Submission:

Labcorp Genetics (formerly Invitae), Labcorp
Classification: Uncertain significance. Last evaluated: 2023-05-22. Review status: criteria provided, single submitter. Criteria: Invitae Variant Classification Sherloc (09022015). Collection method: clinical testing. Allele origin: germline.
Comment: This variant has not been reported in the literature in individuals affected with CLCN2-related conditions. In summary, the available evidence is currently insufficient to determine the role of this variant in disease. Therefore, it has been classified as a Variant of Uncertain Significance. Advanced modeling of protein sequence and biophysical properties (such as structural, functional, and spatial information, amino acid conservation, physicochemical variation, residue mobility, and thermodynamic stability) has been performed at Invitae for this missense variant, however the output from this modeling did not meet the statistical confidence thresholds required to predict the impact of this variant on CLCN2 protein function. ClinVar contains an entry for this variant (Variation ID: 1489497). This variant is not present in population databases (gnomAD no frequency). This sequence change replaces valine, which is neutral and non-polar, with methionine, which is neutral and non-polar, at codon 815 of the CLCN2 protein (p.Val815Met).

NM_004366.6(CLCN2):c.2443G>A (p.Val815Met)

Gene: CLCN2 (chloride voltage-gated channel 2; minus strand). Cytogenetic location: 3q27.1.
Variant type: single nucleotide variant.
Coding change: c.2443G>A on transcript NM_004366.6 (MANE Select); coding-DNA position 2443, G replaced by A.
Protein change: p.Val815Met; replaces valine 815 with methionine.
Molecular consequence: missense variant. On other transcripts: intron variant (1).
Genome position (GRCh38, 1-based): chr3:184,346,994, C>T on the plus strand (G>A on the coding strand, the complement: CLCN2 is on the minus strand). VCF-style: chr3-184346994-C-T. GRCh37 (hg19) VCF-style: chr3-184064782-C-T.
Other names: c.2392G>A, p.Val798Met (NM_001171087.3); c.2311G>A, p.Val771Met (NM_001171088.3); c.2416-194G>A (NM_001171089.3); short protein forms V771M, V798M, V815M.
Identifiers: ClinVar variation 1489497 (VCV001489497.6), dbSNP rs2108553160, ClinGen allele CA355444880.
Genomic context (GRCh38, chr3:184,346,994, plus strand): 5'-CCTCCTTTAGAGTAACGATTCCAATGAGTCTGCCAATACTGGTGACATAAGCATGGTCCA[C>T]TCCCAGCAGTGAGAAGATAGTGTGAGTCTGCAGTGTGGGGAGAAAAGCGATTGGACTTGA-3'
Protein context (NP_004357.3, residues 805-825): KTHTIFSLLG[Val815Met]DHAYVTSIGR